The following is an entry in ClinVar:

ClinVar aggregate classification (germline): Uncertain significance (1 of 4 stars; one submission).

Conditions:
Hereditary breast ovarian cancer syndrome. Also called: BRCA1- and BRCA2-Associated Hereditary Breast and Ovarian Cancer; Hereditary breast and ovarian cancer; Hereditary breast and ovarian cancer syndrome; Hereditary breast and ovarian cancer syndrome (HBOC); Breast and ovarian cancer; Hereditary breast and/or ovarian cancer syndrome. Identifiers: Orphanet 145, MedGen C0677776, MeSH D061325, MONDO:0003582. Disease mechanism: loss of function.

Submission:

Labcorp Genetics (formerly Invitae), Labcorp
Classification: Uncertain significance for Hereditary breast ovarian cancer syndrome. Last evaluated: 2021-05-08. Review status: criteria provided, single submitter. Criteria: Invitae Variant Classification Sherloc (09022015). Collection method: clinical testing. Allele origin: germline.
Comment: This sequence change replaces lysine with asparagine at codon 1530 of the BRCA1 protein (p.Lys1530Asn). The lysine residue is weakly conserved and there is a moderate physicochemical difference between lysine and asparagine. This variant is not present in population databases (ExAC no frequency). In summary, the available evidence is currently insufficient to determine the role of this variant in disease. Therefore, it has been classified as a Variant of Uncertain Significance. Advanced modeling of protein sequence and biophysical properties (such as structural, functional, and spatial information, amino acid conservation, physicochemical variation, residue mobility, and thermodynamic stability) performed at Invitae indicates that this missense variant is not expected to disrupt BRCA1 protein function. This variant has not been reported in the literature in individuals with BRCA1-related conditions.

NM_007294.4(BRCA1):c.4590G>T (p.Lys1530Asn)

Gene: BRCA1 (BRCA1 DNA repair associated; minus strand). Cytogenetic location: 17q21.31.
Variant type: single nucleotide variant.
Coding change: c.4590G>T on transcript NM_007294.4 (MANE Select); coding-DNA position 4590, G replaced by T.
Protein change: p.Lys1530Asn; replaces lysine 1530 with asparagine.
Molecular consequence: missense variant. On other transcripts: non-coding transcript variant (1).
Genome position (GRCh38, 1-based): chr17:43,074,416, C>A on the plus strand (G>T on the coding strand, the complement: BRCA1 is on the minus strand). VCF-style: chr17-43074416-C-A. GRCh37 (hg19) VCF-style: chr17-41226433-C-A.
Other names: c.1272G>T, p.Lys424Asn (NM_001408408.1, NM_001408406.1, NM_001408407.1); c.1269G>T, p.Lys423Asn (NM_001408409.1); c.1041G>T, p.Lys347Asn (NM_001408494.1); c.1035G>T, p.Lys345Asn (NM_001408495.1); c.1017G>T, p.Lys339Asn (NM_001408496.1, NM_001408497.1, NM_001408498.1 and 3 more transcripts); c.1206G>T, p.Lys402Asn (NM_001408410.1); c.1203G>T, p.Lys401Asn (NM_001408411.1); c.1278G>T, p.Lys426Asn (NM_007298.4, NM_007299.4, NM_007304.2 and 13 more transcripts); and 68 more; short protein forms K1551N, K1530N, K1483N, K426N, K1234N, K1402N, K1487N, K1489N.
Identifiers: ClinVar variation 1352454 (VCV001352454.9), dbSNP rs2154005761, ClinGen allele CA10592333.